The following is an entry in ClinVar:

NM_021224.6(ZNF462):c.1626_1643del (p.Gln544_Pro549del)

Gene: ZNF462 (zinc finger protein 462; plus strand). Cytogenetic location: 9q31.2.
Variant type: Deletion.
Coding change: c.1626_1643del on transcript NM_021224.6 (MANE Select); coding-DNA positions 1626 to 1643, 18 bases deleted (ACCGCAGCCACCACCACC).
Protein change: p.Gln544_Pro549del.
Molecular consequence: inframe deletion.
Genome position (GRCh38, 1-based): chr9:106,925,538-106,925,555, ACCGCAGCCACCACCACC deleted; deleting any 18 consecutive bases within chr9:106,925,536-106,925,555 gives the same sequence; the c. name uses the placement nearest the transcript's 3' end. VCF-style (leftmost placement, unchanged base first): chr9-106925535-GCCACCGCAGCCACCACCA-G. GRCh37 (hg19) VCF-style: chr9-109687816-GCCACCGCAGCCACCACCA-G.
Other names: c.1626_1643del, p.Gln544_Pro549del (NM_001347997.2).
Identifiers: ClinVar variation 4978908 (VCV004978908.1).

ClinVar aggregate classification (germline): Uncertain significance (1 of 4 stars; one submission).

Conditions:
ZNF462-related disorder. Also called: ZNF462 related disease; ZNF462-related condition.

Submission:

PreventionGenetics, part of Exact Sciences
Classification: Uncertain significance for ZNF462-related condition. Last evaluated: 2025-07-30. Review status: criteria provided, single submitter. Criteria: ACMG Guidelines, 2015. Collection method: clinical testing. Allele origin: germline.
Comment: The ZNF462 c.1626_1643del18 variant is predicted to result in an in-frame deletion (p.Pro549_Pro554del). To our knowledge, this variant has not been reported in the literature. This variant is reported in 0.073% of alleles in individuals of Latino descent in gnomAD. At this time, the clinical significance of this variant is uncertain due to the absence of conclusive functional and genetic evidence.